The following continues an entry in ClinVar:

NM_000059.4(BRCA2):c.517G>C (p.Gly173Arg)

Gene: BRCA2. ClinVar aggregate classification (germline): Pathogenic/Likely pathogenic. Pathogenic (2); Likely pathogenic (14).

Submissions 12 to 17 of 17:

Quest Diagnostics Nichols Institute San Juan Capistrano
Classification: Likely pathogenic. Last evaluated: 2022-10-27. Review status: criteria provided, single submitter. Criteria: Quest Diagnostics criteria. Collection method: clinical testing. Allele origin: unknown.
Comment: It has not been reported in large, multi-ethnic general populations. In the published literature, the variant has been reported in a triple-negative breast tumor tissue specimen (PMID: 24963051 (2014)). In a large scale breast cancer association study, this variant was observed in a breast cancer case and not in unaffected study control individuals (PMID: 33471991 (2021), ). In addition, this variant has been observed in individuals with breast cancer (Quest internal data). Experimental studies report this variant causes aberrant splicing resulting in protein truncation based on cDNA analysis of carrier lymphocytes (PMID: 29280214 (2018)), and impaired DNA repair via a functional ex vivo assay (PMID: 24963051 (2014)). Based on the available information, this variant is classified as likely pathogenic.

CHEO Genetics Diagnostic Laboratory, Children's Hospital of Eastern Ontario
Classification: Likely pathogenic for Breast and/or ovarian cancer. Last evaluated: 2020-05-27. Review status: criteria provided, single submitter. Criteria: ACMG Guidelines, 2015. Collection method: clinical testing. Allele origin: germline. Study: Canadian Open Genetics Repository.

Genetic Services Laboratory, University of Chicago
Classification: Likely pathogenic. Last evaluated: 2019-09-11. Review status: criteria provided, single submitter. Criteria: ACMG Guidelines, 2015. Collection method: clinical testing. Allele origin: germline. Affected: yes.
Comment: DNA sequence analysis of the BRCA2 gene demonstrated a sequence change, c.517G>C, in exon 7 that results in an amino acid change, p.Gly173Arg. In vitro mRNA analysis showed that the c.517G>C variant induces aberrant splicing (skipping of exon 7) due to loss of the natural splice site leading to a frameshift, r.517_631del; p.(Gly173Serfs*19) (PMID: 29280214). This change is predicted to result in degradation of the transcript. This sequence change has been previously described in patients with breast cancer in two studies but no additional information was provided (PMIDs: 29446198, 21702907). This sequence change has not been described in the population databases (ExAC and gnomAD). The p.Gly173Arg change affects a poorly conserved amino acid residue located in a domain of the BRCA2 protein that is known to be functional. In-silico pathogenicity prediction tools (SIFT, PolyPhen2, Align GVGD, REVEL, in silico splice prediction tools) provide contradictory results for the p.Gly173Arg substitution. A different variant affecting the same nucleotide, c.517G>T(p.Gly173Cys), has been reported to lead to abnormal splicing of the BRCA2 gene by functional splicing minigene assay and was predicted to result in a frame shift (p.Gly173Serfs*19) (PMID: 22962691). These collective evidences indicate that this sequence change is likely pathogenic.

Consortium of Investigators of Modifiers of BRCA1/2 (CIMBA), c/o University of Cambridge
Classification: Pathogenic for Breast-ovarian cancer, familial, susceptibility to, 2. Last evaluated: 2015-10-02. Review status: criteria provided, single submitter. Criteria: CIMBA Mutation Classification guidelines May 2016. Collection method: clinical testing. Allele origin: germline.

Juno Genomics, Hangzhou Juno Genomics, Inc
Classification: Likely pathogenic for Breast-ovarian cancer, familial, susceptibility to, 2. Review status: criteria provided, single submitter. Criteria: ACMG Guidelines, 2015. Collection method: clinical testing. Allele origin: germline.
Comment: Absent from controls (or at extremely low frequency if recessive) in Genome Aggregation Database.;Same amino acid change as a previously established pathogenic variant regardless of nucleotide change.;Null variant in a gene where loss of function (LOF) is a known mechanism of disease.

Department of Pathology and Laboratory Medicine, Sinai Health System
Classification: Likely pathogenic for Malignant tumor of breast. Review status: no assertion criteria provided. Collection method: clinical testing. Allele origin: unknown. Affected: yes. Study: The Canadian Open Genetics Repository (COGR). Not counted in ClinVar's aggregate classification.
Comment: The p.Gly173Arg variant was not identified in the literature however it is listed in dbSNP (rs397507768) as pathogenic/uncertain significance, but no frequency information was provided, thus the prevalence of this variant in the general population could not be determined. This variant was also identified by ClinVar (4 submissions, Pathogenic 1x by CIMBA, and Uncertain significance 3x, by GeneDx, Genetics Diagnostic, Ambry Genetics), Clinvitae (3x as Uncertain significance, 2 x Pathogenic) and GeneInsight - COGR database (as Unknown significance, by CHEO). This variant was not identified in any of the following databases: UMD, LOVD, BIC, COSMIC, the 1000 Genomes Project, the NHLBI GO Exome Sequencing Project and The Exome Aggregation Consortium database (August 8, 2016). The p.Gly173 residue is conserved in mammals but it is not conserved across other organisms. Computational analyses (PolyPhen-2, SIFT, AlignGVGD, BLOSUM, MutationTaster) provide inconsistent predictions regarding the impact to the protein; this information is not very predictive of pathogenicity. The c.517G>C variant occurs in the first base of the exon. This position has been shown to be part of the splicing consensus sequence and variants involving this position sometimes affect splicing. 2 of 5 in silico or computational prediction software programs (SpliceSiteFinder, MaxEntScan, NNSPLICE, GeneSplicer, HumanSpliceFinder) predict a greater than 10% difference in splicing, this is not very predictive of pathogenicity. Although the p.Gly173Arg variant was not identified in the literature, a different amino acid change at this position, c.517G>T, p.Gly173Cys, has been shown to alter the natural splice site (Gaildrat 2014). The study performed splicing minigene assays and analyses of patient RNA showed that the c.517G>T variant induced total exon skipping (RNA r.517_631del), a defect that results in a frame shift (p.Gly173SerfsX19). In summary, based on the above information, the clinical significance of this variant cannot be determined with certainty at this time although we would lean towards a more pathogenic role for this variant. This variant is classified as likely pathogenic.

Literature cited by the submitters: PubMed 29280214 (cited by 5 submitters); PubMed 22962691 (cited by Ambry Genetics and Quest Diagnostics Nichols Institute San Juan Capistrano); PubMed 24963051 (cited by Ambry Genetics and Quest Diagnostics Nichols Institute San Juan Capistrano); PubMed 25186627 (cited by Ambry Genetics and Mayo Clinic Laboratories, Mayo Clinic); PubMed 30883759 (cited by Ambry Genetics); PubMed 33471991 (cited by Ambry Genetics); PubMed 29446198 (cited by Quest Diagnostics Nichols Institute San Juan Capistrano); PubMed 21702907 (cited by Quest Diagnostics Nichols Institute San Juan Capistrano).